The following is an entry in ClinVar:

ClinVar aggregate classification (germline): Conflicting classifications of pathogenicity. Review status: criteria provided, conflicting classifications (1 of 4 stars). 3 submissions from 3 submitters: Pathogenic (1); Uncertain significance (2). Last evaluated 2025-10-02.

Conditions:
ADA2-related disorder. Also called: ADA2-related condition.
Deficiency of adenosine deaminase 2. Also called: Adenosine Deaminase 2 Deficiency; VASCULITIS, AUTOINFLAMMATION, IMMUNODEFICIENCY, AND HEMATOLOGIC DEFECTS SYNDROME; Polyarteritis nodosa, childhoood-onset. Identifiers: Orphanet 404553, MedGen C3887654, MONDO:0014306, OMIM 615688, MONDO:0100317.
Sneddon syndrome (SNDNS). Also called: Idiopathic livedo reticularis with systemic involvement; LIVEDO RETICULARIS AND CEREBROVASCULAR ACCIDENTS. Identifiers: Orphanet 820, MedGen C0282492, MONDO:0008436, OMIM 182410.

Allele frequency attached by ClinVar (database versions not stated): gnomAD 0.00001; TOPMed 0.00001; gnomAD exomes 0.00002 and 0.00003; ESP Exome Variant Server 0.00008.

Submissions (3):

Labcorp Genetics (formerly Invitae), Labcorp
Classification: Pathogenic for Deficiency of adenosine deaminase 2. Last evaluated: 2025-10-02. Review status: criteria provided, single submitter. Criteria: Invitae Variant Classification Sherloc (09022015). Collection method: clinical testing. Allele origin: germline.
Comment: This sequence change replaces alanine, which is neutral and non-polar, with threonine, which is neutral and polar, at codon 357 of the ADA2 protein (p.Ala357Thr). This variant is present in population databases (rs374974565, gnomAD 0.01%). This missense change has been observed in individual(s) with deficiency of adenosine deaminase 2 (DADA2) (PMID: 31008556, 36807221). ClinVar contains an entry for this variant (Variation ID: 582418). Invitae Evidence Modeling of protein sequence and biophysical properties (such as structural, functional, and spatial information, amino acid conservation, physicochemical variation, residue mobility, and thermodynamic stability) indicates that this missense variant is expected to disrupt ADA2 protein function with a positive predictive value of 95%. Experimental studies are conflicting or provide insufficient evidence to determine the effect of this variant on ADA2 function (PMID: 34004258). For these reasons, this variant has been classified as Pathogenic.

PreventionGenetics, part of Exact Sciences
Classification: Uncertain significance for ADA2-related condition. Last evaluated: 2023-07-27. Review status: criteria provided, single submitter. Criteria: ACMG Guidelines, 2015. Collection method: clinical testing. Allele origin: germline.
Comment: The ADA2 c.1069G>A variant is predicted to result in the amino acid substitution p.Ala357Thr. This variant was reported in the homozygous state in an individual with childhood-onset polyarteritis nodosa (See patient 4 in Gibson et al 2019. PubMed ID: 31008556). A serum sample from this patient indicated a significant loss of ADA enzyme activity in comparison to controls (Gibson et al 2019. PubMed ID: 31008556). Additional functional studies also support that this variant results in reduced enzyme activity (Jee H et al 2021. PubMed ID: 34004258). This variant is reported in 0.011% of alleles in individuals of Latino descent in gnomAD. Although we suspect that this variant may be pathogenic, at this time, the clinical significance of this variant is uncertain due to the absence of conclusive functional and genetic evidence.

Fulgent Genetics
Classification: Uncertain significance for Sneddon syndrome; Deficiency of adenosine deaminase 2. Last evaluated: 2021-12-01. Review status: criteria provided, single submitter. Criteria: ACMG Guidelines, 2015. Collection method: clinical testing. Allele origin: unknown.

Literature cited by the submitters: PubMed 31008556 (cited by Labcorp Genetics (formerly Invitae), Labcorp); PubMed 36807221 (cited by Labcorp Genetics (formerly Invitae), Labcorp); PubMed 34004258 (cited by Labcorp Genetics (formerly Invitae), Labcorp).

NM_001282225.2(ADA2):c.1069G>A (p.Ala357Thr)

Gene: ADA2 (adenosine deaminase 2; minus strand). Cytogenetic location: 22q11.1.
Variant type: single nucleotide variant.
Coding change: c.1069G>A on transcript NM_001282225.2 (MANE Select); coding-DNA position 1069, G replaced by A.
Protein change: p.Ala357Thr; replaces alanine 357 with threonine.
Molecular consequence: missense variant.
Genome position (GRCh38, 1-based): chr22:17,188,351, C>T on the plus strand (G>A on the coding strand, the complement: ADA2 is on the minus strand). VCF-style: chr22-17188351-C-T. GRCh37 (hg19) VCF-style: chr22-17669241-C-T.
Other names: c.1069G>A, p.Ala357Thr (NM_001282226.2); c.943G>A, p.Ala315Thr (NM_001282227.2, NM_001282228.2); c.709G>A, p.Ala237Thr (NM_001282229.2); c.346G>A, p.Ala116Thr (NM_177405.3); short protein forms A357T, A116T, A315T, A237T.
Identifiers: ClinVar variation 582418 (VCV000582418.11), dbSNP rs374974565, ClinGen allele CA321174661.